The following is an entry in ClinVar:

ClinVar aggregate classification (germline): Likely benign (1 of 4 stars; one submission).

Submission:

Center for Genomic Medicine, Rigshospitalet, Copenhagen University Hospital
Classification: Likely benign. Last evaluated: 2025-03-04. Review status: criteria provided, single submitter. Criteria: ACMG Guidelines, 2015. Collection method: clinical testing. Allele origin: germline.
Comment: Classification criteria: BP4, BP7

NM_177438.3(DICER1):c.2651-46C>T

Gene: DICER1 (dicer 1, ribonuclease III; minus strand). Cytogenetic location: 14q32.13.
Variant type: single nucleotide variant.
Coding change: c.2651-46C>T on transcript NM_177438.3 (MANE Select); 46 bases into the intron before coding-DNA position 2651, C replaced by T.
Molecular consequence: intron variant.
Genome position (GRCh38, 1-based): chr14:95,107,807, G>A on the plus strand (C>T on the coding strand, the complement: DICER1 is on the minus strand). VCF-style: chr14-95107807-G-A. GRCh37 (hg19) VCF-style: chr14-95574144-G-A.
Other names: c.2651-46C>T (NM_001291628.2, NM_030621.4, NM_001395677.1 and 12 more transcripts); c.2246-46C>T (NM_001395690.1, NM_001395687.1, NM_001395689.1 and 2 more transcripts); c.2369-46C>T (NM_001395686.1); c.2084-46C>T (NM_001395691.1); c.968-46C>T (NM_001395697.1).
Identifiers: ClinVar variation 3765301 (VCV003765301.1).